The following is an entry in ClinVar:

NM_017636.4(TRPM4):c.1672C>G (p.Pro558Ala)

Gene: TRPM4 (transient receptor potential cation channel subfamily M member 4; plus strand). Cytogenetic location: 19q13.33.
Variant type: single nucleotide variant.
Coding change: c.1672C>G on transcript NM_017636.4 (MANE Select); coding-DNA position 1672, C replaced by G.
Protein change: p.Pro558Ala; replaces proline 558 with alanine.
Molecular consequence: missense variant.
Genome position (GRCh38, 1-based): chr19:49,183,141, C>G. VCF-style: chr19-49183141-C-G. GRCh37 (hg19) VCF-style: chr19-49686398-C-G.
Other names: c.1672C>G, p.Pro558Ala (NM_001195227.2); c.1327C>G, p.Pro443Ala (NM_001321281.2); c.64C>G, p.Pro22Ala (NM_001321282.2); c.1150C>G, p.Pro384Ala (NM_001321283.2); c.610C>G, p.Pro204Ala (NM_001321285.2); c.1672C>G (NM_017636.3); short protein forms P384A, P558A, P22A, P443A, P204A.
Identifiers: ClinVar variation 2151413 (VCV002151413.5), dbSNP rs1210530442, ClinGen allele CA406800480.

ClinVar aggregate classification (germline): Uncertain significance. Review status: criteria provided, multiple submitters, no conflicts (2 of 4 stars). 2 submissions from 2 submitters: Uncertain significance (2). Last evaluated 2026-04-27.

Conditions:
Cardiovascular phenotype. Identifiers: MedGen CN230736.
Progressive familial heart block type IB (PFHB1B). Identifiers: Orphanet 871, MedGen C1970298, MONDO:0011474, OMIM 604559.

Allele frequency attached by ClinVar (database versions not stated): TOPMed 0.00002; gnomAD 0.00003.
gnomAD v4.1: 55 of 1,613,898 alleles (0.0034%); highest among the groups gnomAD compares: Non-Finnish European, 0.0046%; no homozygotes.

Submissions (2):

Ambry Genetics
Classification: Uncertain significance for Cardiovascular phenotype. Last evaluated: 2026-04-27. Review status: criteria provided, single submitter. Criteria: Ambry Variant Classification Scheme 2023. Collection method: clinical testing. Allele origin: germline.
Comment: The p.P558A variant (also known as c.1672C>G), located in coding exon 12 of the TRPM4 gene, results from a C to G substitution at nucleotide position 1672. The proline at codon 558 is replaced by alanine, an amino acid with highly similar properties. This amino acid position is conserved. In addition, the in silico prediction for this alteration is inconclusive. Based on the available evidence, the clinical significance of this variant remains unclear.

Labcorp Genetics (formerly Invitae), Labcorp
Classification: Uncertain significance for Progressive familial heart block type IB. Last evaluated: 2024-02-27. Review status: criteria provided, single submitter. Criteria: Invitae Variant Classification Sherloc (09022015). Collection method: clinical testing. Allele origin: germline.
Comment: This sequence change replaces proline, which is neutral and non-polar, with alanine, which is neutral and non-polar, at codon 558 of the TRPM4 protein (p.Pro558Ala). This variant is present in population databases (no rsID available, gnomAD 0.002%). This variant has not been reported in the literature in individuals affected with TRPM4-related conditions. ClinVar contains an entry for this variant (Variation ID: 2151413). An algorithm developed to predict the effect of missense changes on protein structure and function (PolyPhen-2) suggests that this variant is likely to be disruptive. In summary, the available evidence is currently insufficient to determine the role of this variant in disease. Therefore, it has been classified as a Variant of Uncertain Significance.